The following is an entry in ClinVar:

ClinVar aggregate classification (germline): Uncertain significance (1 of 4 stars; one submission).

Conditions:
Neuromuscular disease caused by qualitative or quantitative defects of dysferlin. Also called: Qualitative or quantitative defects of dysferlin; Dysferlinopathy. Identifiers: Orphanet 207073, MedGen C2931687, MONDO:0016145.

Submission:

Labcorp Genetics (formerly Invitae), Labcorp
Classification: Uncertain significance for Neuromuscular disease caused by qualitative or quantitative defects of dysferlin. Last evaluated: 2023-06-05. Review status: criteria provided, single submitter. Criteria: Invitae Variant Classification Sherloc (09022015). Collection method: clinical testing. Allele origin: unknown.
Comment: This variant results in a copy number gain of the genomic region encompassing exon(s) 25-30 of the DYSF gene. While the exact position of this variant cannot be determined from the data, sub-genic copy number gains are generally in tandem (PMID: 25640679). This variant is predicted to be in-frame, and likely preserves the integrity of the reading frame. In summary, the available evidence is currently insufficient to determine the role of this variant in disease. Therefore, it has been classified as a Variant of Uncertain Significance. This variant has not been reported in the literature in individuals affected with DYSF-related conditions.

Literature cited by the submitters: PubMed 25640679.

NC_000002.11:g.(?_71795061)_(71801521_?)dup

Gene: DYSF (dysferlin; plus strand). Cytogenetic location: 2p13.2.
Variant type: Duplication.
Identifiers: ClinVar variation 3247376 (VCV003247376.1).